The following is an entry in ClinVar:

ClinVar aggregate classification (germline): Pathogenic (1 of 4 stars; one submission).

Conditions:
Marfan syndrome (MFS). Also called: MARFAN SYNDROME, TYPE I; Marfan syndrome type 1; Marfan's syndrome; Marfan syndrome, classic; FBN1-Related Marfan Syndrome. Identifiers: Orphanet 284963, Orphanet 558, MedGen C0024796, MONDO:0007947, OMIM 154700.

Submission:

Centro de Genética y Biología Molecular, Universidad de San Martín de Porres
Classification: Pathogenic for Marfan syndrome. Last evaluated: 2025-01-20. Review status: criteria provided, single submitter. Criteria: ACMG Guidelines, 2015. Collection method: research. Allele origin: unknown. Inheritance: Autosomal dominant inheritance. Affected: yes.
Comment: This missense variant replaces aspartic acid (hydrophilyc) with tyrosine (hydrophobic) at codon 27 of the ACTA2 protein. No functional studies have not been reported for this variant. It has been reported in an individual affected with thoracic aortic disease (PMID: 37042257) and has not been identified in the general population by the Genome Aggregation Database (gnomAD). Autosomal dominant inheritance. ClinVar contains an entry for this variant (Variation ID: 199666). This residue is clinically significant, and variants that disrupt this residue are likely to be disease-causing. For these reasons, this variant has been classified as Pathogenic.

Literature cited by the submitters: PubMed 20689142; PubMed 37042257.

NM_001613.4(ACTA2):c.79G>T (p.Asp27Tyr)

Gene: ACTA2 (actin alpha 2, smooth muscle; minus strand). Cytogenetic location: 10q23.31.
Variant type: single nucleotide variant.
Coding change: c.79G>T on transcript NM_001613.4 (MANE Select); coding-DNA position 79, G replaced by T.
Protein change: p.Asp27Tyr; replaces aspartic acid 27 with tyrosine.
Molecular consequence: missense variant.
Genome position (GRCh38, 1-based): chr10:88,948,852, C>A on the plus strand (G>T on the coding strand, the complement: ACTA2 is on the minus strand). VCF-style: chr10-88948852-C-A. GRCh37 (hg19) VCF-style: chr10-90708609-C-A.
Other names: c.79G>T, p.Asp27Tyr (NM_001141945.3, NM_001320855.2, NM_001406462.1 and 7 more transcripts); short protein forms D27Y.
Identifiers: ClinVar variation 4279100 (VCV004279100.1).
Genomic context (GRCh38, chr10:88,948,852, plus strand): 5'-TTTTCCTCACCTGATGTCTGGGACGTCCCACAATGGATGGGAAAACAGCCCTGGGAGCAT[C>A]GTCCCCAGCAAAGCCGGCCTTACAGAGCCCAGAGCCATTGTCACACACCAAGGCAGTGCT-3'
Protein context (NP_001604.1, residues 17-37): GLCKAGFAGD[Asp27Tyr]APRAVFPSIV